The following is an entry in ClinVar:

NM_015488.5(PNKD):c.1153A>G (p.Lys385Glu)

Genes: CATIP-AS2 (CATIP antisense RNA 2; minus strand), PNKD (PNKD metallo-beta-lactamase domain containing; plus strand). Cytogenetic location: 2q35.
Variant type: single nucleotide variant.
Coding change: c.1153A>G on transcript NM_015488.5 (MANE Select); coding-DNA position 1153, A replaced by G.
Protein change: p.Lys385Glu; replaces lysine 385 with glutamic acid.
Molecular consequence: missense variant.
Genome position (GRCh38, 1-based): chr2:218,344,976, A>G. VCF-style: chr2-218344976-A-G. GRCh37 (hg19) VCF-style: chr2-219209699-A-G.
Other names: c.1081A>G, p.Lys361Glu (NM_022572.5); short protein forms K385E, K361E.
Identifiers: ClinVar variation 1399813 (VCV001399813.8), dbSNP rs1299480252, ClinGen allele CA350544146.

ClinVar aggregate classification (germline): Uncertain significance. Review status: criteria provided, multiple submitters, no conflicts (2 of 4 stars). 2 submissions from 2 submitters: Uncertain significance (2). Last evaluated 2023-12-15.

Conditions:
Paroxysmal nonkinesigenic dyskinesia. Also called: Paroxysmal non-kinesigenic dyskinesia. Identifiers: Orphanet 98810, MedGen C1869117, MONDO:0700088.

Allele frequency attached by ClinVar (database versions not stated): gnomAD exomes below 0.00001; TOPMed below 0.00001; gnomAD 0.00001.
gnomAD v4.1: 2 of 1,612,400 alleles (0.00012%); highest among the groups gnomAD compares: African/African-American, 0.0013%; no homozygotes.

Submissions (2):

Labcorp Genetics (formerly Invitae), Labcorp
Classification: Uncertain significance for Paroxysmal nonkinesigenic dyskinesia. Last evaluated: 2023-12-15. Review status: criteria provided, single submitter. Criteria: Invitae Variant Classification Sherloc (09022015). Collection method: clinical testing. Allele origin: germline.
Comment: This sequence change replaces lysine, which is basic and polar, with glutamic acid, which is acidic and polar, at codon 385 of the PNKD protein (p.Lys385Glu). This variant is not present in population databases (gnomAD no frequency). This variant has not been reported in the literature in individuals affected with PNKD-related conditions. ClinVar contains an entry for this variant (Variation ID: 1399813). An algorithm developed to predict the effect of missense changes on protein structure and function (PolyPhen-2) suggests that this variant is likely to be tolerated. In summary, the available evidence is currently insufficient to determine the role of this variant in disease. Therefore, it has been classified as a Variant of Uncertain Significance.

GeneDx
Classification: Uncertain significance. Last evaluated: 2022-05-27. Review status: criteria provided, single submitter. Criteria: GeneDx Variant Classification Process June 2021. Collection method: clinical testing. Allele origin: germline. Affected: yes.
Comment: Not observed at significant frequency in large population cohorts (gnomAD); In silico analysis supports that this missense variant does not alter protein structure/function; Has not been previously published as pathogenic or benign to our knowledge